The following is an entry in ClinVar:

NM_001042646.3(TRAK1):c.1508C>T (p.Ser503Phe)

Gene: TRAK1 (trafficking kinesin protein 1; plus strand). Cytogenetic location: 3p22.1.
Variant type: single nucleotide variant.
Coding change: c.1508C>T on transcript NM_001042646.3 (MANE Select); coding-DNA position 1508, C replaced by T.
Protein change: p.Ser503Phe; replaces serine 503 with phenylalanine.
Molecular consequence: missense variant. On other transcripts: non-coding transcript variant (1).
Genome position (GRCh38, 1-based): chr3:42,202,516, C>T. VCF-style: chr3-42202516-C-T. GRCh37 (hg19) VCF-style: chr3-42244008-C-T.
Other names: c.1508C>T, p.Ser503Phe (NM_001265608.2, NM_001349246.2, NM_001349247.2); c.1286C>T, p.Ser429Phe (NM_001265609.2, NM_001265610.1, NM_001349248.1 and 1 more transcripts); c.1196C>T, p.Ser399Phe (NM_001349245.1); c.1334C>T, p.Ser445Phe (NM_001410741.1, NM_014965.5); short protein forms S399F, S429F, S445F, S503F.
Identifiers: ClinVar variation 3364749 (VCV003364749.1).

ClinVar aggregate classification (germline): Uncertain significance (1 of 4 stars; one submission).

Submission:

GeneDx
Classification: Uncertain significance. Last evaluated: 2023-12-04. Review status: criteria provided, single submitter. Criteria: GeneDx Variant Classification Process June 2021. Collection method: clinical testing. Allele origin: germline. Affected: yes.
Comment: Not observed at significant frequency in large population cohorts (gnomAD); In silico analysis supports that this missense variant has a deleterious effect on protein structure/function; Has not been previously published as pathogenic or benign to our knowledge